The following is an entry in ClinVar:

ClinVar aggregate classification (germline): Uncertain significance (1 of 4 stars; one submission).

Conditions:
Oligodontia-cancer predisposition syndrome. Also called: TOOTH AGENESIS-COLORECTAL CANCER SYNDROME. Identifiers: Orphanet 300576, MedGen C1837750, MONDO:0012075, OMIM 608615. Disease mechanism: loss of function.

Submission:

Labcorp Genetics (formerly Invitae), Labcorp
Classification: Uncertain significance for Oligodontia-cancer predisposition syndrome. Last evaluated: 2026-01-28. Review status: criteria provided, single submitter. Criteria: Invitae Variant Classification Sherloc (09022015). Collection method: clinical testing. Allele origin: germline.
Comment: This sequence change replaces glycine, which is neutral and non-polar, with arginine, which is basic and polar, at codon 39 of the AXIN2 protein (p.Gly39Arg). This variant is not present in population databases (gnomAD no frequency). This variant has not been reported in the literature in individuals affected with AXIN2-related conditions. Invitae Evidence Modeling of protein sequence and biophysical properties (such as structural, functional, and spatial information, amino acid conservation, physicochemical variation, residue mobility, and thermodynamic stability) indicates that this missense variant is not expected to disrupt AXIN2 protein function with a negative predictive value of 80%. In summary, the available evidence is currently insufficient to determine the role of this variant in disease. Therefore, it has been classified as a Variant of Uncertain Significance.

NM_004655.4(AXIN2):c.115G>A (p.Gly39Arg)

Gene: AXIN2 (axin 2; minus strand). Cytogenetic location: 17q24.1.
Variant type: single nucleotide variant.
Coding change: c.115G>A on transcript NM_004655.4 (MANE Select); coding-DNA position 115, G replaced by A.
Protein change: p.Gly39Arg; replaces glycine 39 with arginine.
Molecular consequence: missense variant.
Genome position (GRCh38, 1-based): chr17:65,558,506, C>T on the plus strand (G>A on the coding strand, the complement: AXIN2 is on the minus strand). VCF-style: chr17-65558506-C-T. GRCh37 (hg19) VCF-style: chr17-63554624-C-T.
Other names: c.115G>A, p.Gly39Arg (NM_001363813.1); short protein forms G39R.
Identifiers: ClinVar variation 4811003 (VCV004811003.1).